The following is an entry in ClinVar:

NM_001113491.2(SEPTIN9):c.722-6379G>A

Gene: SEPTIN9 (septin 9; plus strand). Cytogenetic location: 17q25.3.
Variant type: single nucleotide variant.
Coding change: c.722-6379G>A on transcript NM_001113491.2 (MANE Select); 6379 bases into the intron before coding-DNA position 722, G replaced by A.
Molecular consequence: intron variant. On other transcripts: 5 prime UTR variant (1).
Genome position (GRCh38, 1-based): chr17:77,475,765, G>A. VCF-style: chr17-77475765-G-A. GRCh37 (hg19) VCF-style: chr17-75471847-G-A.
Other names: c.-171G>A (NM_001113495.2); c.665-6379G>A (NM_001293695.2); c.230-6379G>A (NM_001113492.2, NM_001113494.1); c.668-6379G>A (NM_006640.5); c.701-6379G>A (NM_001113493.2); c.50-6379G>A (NM_001293696.2); c.-32-6379G>A (NM_001113496.2, NM_001293697.2, NM_001293698.2).
Identifiers: ClinVar variation 2634187 (VCV002634187.1), dbSNP rs771050526, ClinGen allele CA8793459.

ClinVar aggregate classification (germline): Uncertain significance (1 of 4 stars; one submission).

Conditions:
SEPTIN9-related disorder. Also called: SEPTIN9-related condition.

Allele frequency attached by ClinVar (database versions not stated): TOPMed 0.00002.
gnomAD v4.1: 44 of 1,612,910 alleles (0.0027%); highest among the groups gnomAD compares: South Asian, 0.0044%; no homozygotes.

Submission:

PreventionGenetics, part of Exact Sciences
Classification: Uncertain significance for SEPTIN9-related condition. Last evaluated: 2022-11-02. Review status: criteria provided, single submitter. Criteria: ACMG Guidelines, 2015. Collection method: clinical testing. Allele origin: germline.
Comment: The SEPTIN9 c.247G>A variant is predicted to result in the amino acid substitution p.Gly83Arg. To our knowledge, this variant has not been reported in the literature. This variant is reported in 0.0065% of alleles in individuals of South Asian descent in gnomAD. At this time, the clinical significance of this variant is uncertain due to the absence of conclusive functional and genetic evidence.